The following is an entry in ClinVar:

ClinVar aggregate classification (germline): Uncertain significance (1 of 4 stars; one submission).

Conditions:
Multiple endocrine neoplasia type 4. Also called: MULTIPLE ENDOCRINE NEOPLASIA, TYPE IV. Identifiers: Orphanet 276152, MedGen C1970712, MONDO:0012552, OMIM 610755.

Submission:

Labcorp Genetics (formerly Invitae), Labcorp
Classification: Uncertain significance for Multiple endocrine neoplasia type 4. Last evaluated: 2021-08-16. Review status: criteria provided, single submitter. Criteria: Invitae Variant Classification Sherloc (09022015). Collection method: clinical testing. Allele origin: germline.
Comment: In summary, the available evidence is currently insufficient to determine the role of this variant in disease. Therefore, it has been classified as a Variant of Uncertain Significance. Experimental studies have shown that this missense change affects CDKN1B function (PMID: 21289244). This missense change has been observed in individual(s) with parathyroid adenomas and primary hyperparathyroidism (PMID: 21289244). This variant is not present in population databases (ExAC no frequency). This sequence change replaces glycine with arginine at codon 9 of the CDKN1B protein (p.Gly9Arg). The glycine residue is highly conserved and there is a moderate physicochemical difference between glycine and arginine.

Literature cited by the submitters: PubMed 21289244.

NM_004064.5(CDKN1B):c.25G>C (p.Gly9Arg)

Gene: CDKN1B (cyclin dependent kinase inhibitor 1B; plus strand). Cytogenetic location: 12p13.1.
Variant type: single nucleotide variant.
Coding change: c.25G>C on transcript NM_004064.5 (MANE Select); coding-DNA position 25, G replaced by C.
Protein change: p.Gly9Arg; replaces glycine 9 with arginine.
Molecular consequence: missense variant.
Genome position (GRCh38, 1-based): chr12:12,717,864, G>C. VCF-style: chr12-12717864-G-C. GRCh37 (hg19) VCF-style: chr12-12870798-G-C.
Other names: short protein forms G9R.
Identifiers: ClinVar variation 1498811 (VCV001498811.6), dbSNP rs755225286, ClinGen allele CA383967985.